The following is an entry in ClinVar:

NM_001844.5(COL2A1):c.1709dup (p.Pro571fs)

Gene: COL2A1 (collagen type II alpha 1 chain; minus strand). Cytogenetic location: 12q13.11.
Variant type: Duplication.
Coding change: c.1709dup on transcript NM_001844.5 (MANE Select); coding-DNA position 1709, one base duplicated (G; older notation c.1709dupG).
Protein change: p.Pro571fs; shifts the reading frame from proline 571.
Molecular consequence: frameshift variant.
Genome position (GRCh38, 1-based): chr12:47,985,559, C duplicated on the plus strand (G on the coding strand, the reverse complement: COL2A1 is on the minus strand); the first of 2 consecutive C bases (chr12:47,985,559-47,985,560); duplicating either gives the same sequence. VCF-style (leftmost placement, unchanged base first): chr12-47985558-A-AC. GRCh37 (hg19) VCF-style: chr12-48379341-A-AC.
Other names: c.1502dup, p.Pro502fs (NM_033150.3); short protein forms P571fs, P502fs.
Identifiers: ClinVar variation 422803 (VCV000422803.2), dbSNP rs1555167058, ClinGen allele CA16619527.

ClinVar aggregate classification (germline): Likely pathogenic (1 of 4 stars; one submission).

Submission:

GeneDx
Classification: Likely pathogenic. Last evaluated: 2016-12-02. Review status: criteria provided, single submitter. Criteria: GeneDx Variant Classification (06012015). Collection method: clinical testing. Allele origin: germline. Affected: yes.
Comment: Although the c.1709dupG likely pathogenic variant in the COL2A1 gene has not been reported to our knowledge, this variant causes a shift in reading frame starting at codon Proline 571, changing it to a Serine, and creating a premature stop codon at position 13 of the new reading frame, denoted p.Pro571SerfsX13. This pathogenic variant is expected to result in either an abnormal, truncated protein product or loss of protein from this allele through nonsense-mediated mRNA decay. Multiple other downstream frameshift variants in the COL2A1 gene have been reported in HGMD in association with Stickler syndrome, Kniest dysplasia, and Spondyloepiphyseal dysplasia (Stenson et al., 2014). Furthermore, the c.1709dupG variant was not observed in approximately 6,500 individuals of European and African American ancestry in the NHLBI Exome Sequencing Project, indicating it is not a common benign variant in these populations.In summary, c.1709dupG in the COL2A1 gene is expected to be pathogenic, as loss of function variants in this gene are strongly associated with this phenotype.